The following is an entry in ClinVar:

ClinVar aggregate classification (germline): Uncertain significance (1 of 4 stars; one submission).

Allele frequency attached by ClinVar (database versions not stated): gnomAD exomes below 0.00001.
gnomAD v4.1: 5 of 1,612,986 alleles (0.00031%); highest among the groups gnomAD compares: African/African-American, 0.0013%; no homozygotes.

Submission:

GeneDx
Classification: Uncertain significance. Last evaluated: 2021-11-18. Review status: criteria provided, single submitter. Criteria: GeneDx Variant Classification Process June 2021. Collection method: clinical testing. Allele origin: germline. Affected: yes.
Comment: In silico analysis supports that this missense variant has a deleterious effect on protein structure/function; Has not been previously published as pathogenic or benign to our knowledge

NM_001349253.2(SCN11A):c.3368G>A (p.Cys1123Tyr)

Gene: SCN11A (sodium voltage-gated channel alpha subunit 11; minus strand). Cytogenetic location: 3p22.2.
Variant type: single nucleotide variant.
Coding change: c.3368G>A on transcript NM_001349253.2 (MANE Select); coding-DNA position 3368, G replaced by A.
Protein change: p.Cys1123Tyr; replaces cysteine 1123 with tyrosine.
Molecular consequence: missense variant.
Genome position (GRCh38, 1-based): chr3:38,879,975, C>T on the plus strand (G>A on the coding strand, the complement: SCN11A is on the minus strand). VCF-style: chr3-38879975-C-T. GRCh37 (hg19) VCF-style: chr3-38921466-C-T.
Other names: c.3368G>A, p.Cys1123Tyr (NM_014139.3); short protein forms C1123Y.
Identifiers: ClinVar variation 1686746 (VCV001686746.2), dbSNP rs1169309347, ClinGen allele CA352172525.
Genomic context (GRCh38, chr3:38,879,975, plus strand): 5'-CCAGCCTGTGTGGGACACAGAGATGGTAAACTTACAATCACAATGATGAAATCAAGGCAG[C>T]ACCAGGCACTGGTGAAATACTTTCCAAATCCGAAGGCTACCCATTTTAGTACCATCTCCA-3'
Protein context (NP_001336182.1, residues 1113-1133): GFGKYFTSAW[Cys1123Tyr]CLDFIIVIVS